The following is an entry in ClinVar:

ClinVar aggregate classification (germline): Uncertain significance. Review status: criteria provided, multiple submitters, no conflicts (2 of 4 stars). 4 submissions from 4 submitters: Uncertain significance (4). Last evaluated 2025-08-21.

Conditions:
Developmental and epileptic encephalopathy, 18 (DEE18). Also called: Early infantile epileptic encephalopathy 18. Identifiers: Orphanet 369894, MedGen C3809624, MONDO:0014201, OMIM 615476.
Inborn genetic diseases. Identifiers: MedGen C0950123, MeSH D030342.

Allele frequency attached by ClinVar (database versions not stated): gnomAD 0.00002 and 0.00003; TOPMed 0.00004; gnomAD exomes 0.00001.

Submissions (4):

Ambry Genetics
Classification: Uncertain significance for Inborn genetic diseases. Last evaluated: 2025-08-21. Review status: criteria provided, single submitter. Criteria: Ambry Variant Classification Scheme 2023. Collection method: clinical testing. Allele origin: germline.

GeneDx
Classification: Uncertain significance. Last evaluated: 2025-01-03. Review status: criteria provided, single submitter. Criteria: GeneDx Variant Classification Process June 2021. Collection method: clinical testing. Allele origin: germline.
Comment: Not observed at significant frequency in large population cohorts (gnomAD); In silico analysis indicates that this missense variant does not alter protein structure/function; Has not been previously published as pathogenic or benign to our knowledge

Genome-Nilou Lab
Classification: Uncertain significance for Developmental and epileptic encephalopathy, 18. Last evaluated: 2023-04-11. Review status: criteria provided, single submitter. Criteria: ACMG Guidelines, 2015. Collection method: clinical testing. Allele origin: germline. Affected: no.

Labcorp Genetics (formerly Invitae), Labcorp
Classification: Uncertain significance. Last evaluated: 2022-07-05. Review status: criteria provided, single submitter. Criteria: Invitae Variant Classification Sherloc (09022015). Collection method: clinical testing. Allele origin: germline.
Comment: This sequence change replaces methionine, which is neutral and non-polar, with threonine, which is neutral and polar, at codon 1648 of the SZT2 protein (p.Met1648Thr). This variant is present in population databases (no rsID available, gnomAD 0.01%). This variant has not been reported in the literature in individuals affected with SZT2-related conditions. ClinVar contains an entry for this variant (Variation ID: 1044522). Algorithms developed to predict the effect of missense changes on protein structure and function are either unavailable or do not agree on the potential impact of this missense change (SIFT: "Tolerated"; PolyPhen-2: "Probably Damaging"; Align-GVGD: "Class C0"). In summary, the available evidence is currently insufficient to determine the role of this variant in disease. Therefore, it has been classified as a Variant of Uncertain Significance.

NM_001365999.1(SZT2):c.5114T>C (p.Met1705Thr)

Gene: SZT2 (SZT2 subunit of KICSTOR complex; plus strand). Cytogenetic location: 1p34.2.
Variant type: single nucleotide variant.
Coding change: c.5114T>C on transcript NM_001365999.1 (MANE Select); coding-DNA position 5114, T replaced by C.
Protein change: p.Met1705Thr; replaces methionine 1705 with threonine.
Molecular consequence: missense variant.
Genome position (GRCh38, 1-based): chr1:43,431,741, T>C. VCF-style: chr1-43431741-T-C. GRCh37 (hg19) VCF-style: chr1-43897412-T-C.
Other names: c.4943T>C, p.Met1648Thr (NM_015284.4); short protein forms M1705T, M1648T.
Identifiers: ClinVar variation 1044522 (VCV001044522.10), dbSNP rs898358728, ClinGen allele CA21638000.